The following is an entry in ClinVar:

ClinVar aggregate classification (germline): Uncertain significance. Review status: criteria provided, multiple submitters, no conflicts (2 of 4 stars). 2 submissions from 2 submitters: Uncertain significance (2). Last evaluated 2025-08-22.

Conditions:
Inborn genetic diseases. Identifiers: MedGen C0950123, MeSH D030342.
LAMA2-related muscular dystrophy (LAMA2-RD). Also called: Laminin alpha 2-related dystrophy. Identifiers: MedGen C5679788, MONDO:0100228.

Allele frequency attached by ClinVar (database versions not stated): ExAC 0.00001; gnomAD 0.00001; gnomAD exomes 0.00001 and 0.00006; TOPMed 0.00004; ESP Exome Variant Server 0.00008.
gnomAD v4.1: 82 of 1,611,964 alleles (0.0051%); highest among the groups gnomAD compares: Non-Finnish European, 0.0065%; no homozygotes.

Submissions (2):

Ambry Genetics
Classification: Uncertain significance for Inborn genetic diseases. Last evaluated: 2025-08-22. Review status: criteria provided, single submitter. Criteria: Ambry Variant Classification Scheme 2023. Collection method: clinical testing. Allele origin: germline.

Labcorp Genetics (formerly Invitae), Labcorp
Classification: Uncertain significance for LAMA2-related muscular dystrophy. Last evaluated: 2022-08-09. Review status: criteria provided, single submitter. Criteria: Invitae Variant Classification Sherloc (09022015). Collection method: clinical testing. Allele origin: germline.
Comment: This sequence change replaces valine, which is neutral and non-polar, with isoleucine, which is neutral and non-polar, at codon 2364 of the LAMA2 protein (p.Val2364Ile). This variant is present in population databases (rs376104852, gnomAD 0.007%). This variant has not been reported in the literature in individuals affected with LAMA2-related conditions. ClinVar contains an entry for this variant (Variation ID: 1058996). Advanced modeling of protein sequence and biophysical properties (such as structural, functional, and spatial information, amino acid conservation, physicochemical variation, residue mobility, and thermodynamic stability) performed at Invitae indicates that this missense variant is not expected to disrupt LAMA2 protein function. In summary, the available evidence is currently insufficient to determine the role of this variant in disease. Therefore, it has been classified as a Variant of Uncertain Significance.

NM_000426.4(LAMA2):c.7090G>A (p.Val2364Ile)

Gene: LAMA2 (laminin subunit alpha 2; plus strand). Cytogenetic location: 6q22.33.
Variant type: single nucleotide variant.
Coding change: c.7090G>A on transcript NM_000426.4 (MANE Select); coding-DNA position 7090, G replaced by A.
Protein change: p.Val2364Ile; replaces valine 2364 with isoleucine.
Molecular consequence: missense variant.
Genome position (GRCh38, 1-based): chr6:129,464,387, G>A. VCF-style: chr6-129464387-G-A. GRCh37 (hg19) VCF-style: chr6-129785532-G-A.
Other names: c.7090G>A (NM_000426.3); c.7090G>A, p.Val2364Ile (NM_001079823.2); short protein forms V2364I.
Identifiers: ClinVar variation 1058996 (VCV001058996.7), dbSNP rs376104852, ClinGen allele CA3994439.